The following is an entry in ClinVar:

ClinVar aggregate classification (germline): Uncertain significance (1 of 4 stars; one submission).

Allele frequency attached by ClinVar (database versions not stated): gnomAD exomes below 0.00001.
gnomAD v4.1: 3 of 1,614,096 alleles (0.00019%); highest among the groups gnomAD compares: African/African-American, 0.0013%; no homozygotes.

Submission:

GeneDx
Classification: Uncertain significance. Last evaluated: 2019-05-31. Review status: criteria provided, single submitter. Criteria: GeneDx Variant Classification Process June 2021. Collection method: clinical testing. Allele origin: germline. Affected: yes.
Comment: Has not been previously published as pathogenic or benign to our knowledge; Not observed in large population cohorts (Lek et al., 2016); In silico analysis, which includes protein predictors and evolutionary conservation, supports a deleterious effect

NM_021101.5(CLDN1):c.172A>T (p.Ser58Cys)

Genes: CLDN1 (claudin 1; minus strand), CLDN16 (claudin 16; plus strand). Cytogenetic location: 3q28.
Variant type: single nucleotide variant.
Coding change: c.172A>T on transcript NM_021101.5 (MANE Select); coding-DNA position 172, A replaced by T.
Protein change: p.Ser58Cys; replaces serine 58 with cysteine.
Molecular consequence: missense variant. On other transcripts: intron variant (2).
Genome position (GRCh38, 1-based): chr3:190,322,035, T>A on the plus strand (A>T on the coding strand, the complement: CLDN1 is on the minus strand). VCF-style: chr3-190322035-T-A. GRCh37 (hg19) VCF-style: chr3-190039824-T-A.
Other names: c.-279+6976T>A (NM_001378492.1); c.-279+31444T>A (NM_001378493.1); short protein forms S58C.
Identifiers: ClinVar variation 1306324 (VCV001306324.4), dbSNP rs1393518010, ClinGen allele CA355757982.